The following is an entry in ClinVar:

NM_004612.4(TGFBR1):c.836T>C (p.Val279Ala)

Gene: TGFBR1 (transforming growth factor beta receptor 1; plus strand). Cytogenetic location: 9q22.33.
Variant type: single nucleotide variant.
Coding change: c.836T>C on transcript NM_004612.4 (MANE Select); coding-DNA position 836, T replaced by C.
Protein change: p.Val279Ala; replaces valine 279 with alanine.
Molecular consequence: missense variant.
Genome position (GRCh38, 1-based): chr9:99,142,566, T>C. VCF-style: chr9-99142566-T-C. GRCh37 (hg19) VCF-style: chr9-101904848-T-C.
Other names: c.605T>C, p.Val202Ala (NM_001130916.3, NM_001407435.1); c.848T>C, p.Val283Ala (NM_001306210.2); c.641T>C, p.Val214Ala (NM_001407418.1, NM_001407419.1, NM_001407420.1 and 1 more transcripts); c.629T>C, p.Val210Ala (NM_001407423.1, NM_001407424.1, NM_001407425.1 and 8 more transcripts); c.590T>C, p.Val197Ala (NM_001407436.1); c.128T>C, p.Val43Ala (NM_001407437.1); c.359T>C, p.Val120Ala (NM_001407438.1); short protein forms V120A, V197A, V283A, V210A, V279A, V214A, V202A, V43A.
Identifiers: ClinVar variation 2114646 (VCV002114646.4), dbSNP rs2490222983, ClinGen allele CA374230551.

ClinVar aggregate classification (germline): Pathogenic (1 of 4 stars; one submission).

Conditions:
Familial thoracic aortic aneurysm and aortic dissection (TAAD). Also called: Thoracic aortic aneurysms and dissections. Identifiers: Orphanet 91387, MedGen C4707243, MONDO:0019625.

Submission:

Labcorp Genetics (formerly Invitae), Labcorp
Classification: Pathogenic for Familial thoracic aortic aneurysm and aortic dissection. Last evaluated: 2022-05-10. Review status: criteria provided, single submitter. Criteria: Invitae Variant Classification Sherloc (09022015). Collection method: clinical testing. Allele origin: germline.
Comment: This sequence change replaces valine, which is neutral and non-polar, with alanine, which is neutral and non-polar, at codon 279 of the TGFBR1 protein (p.Val279Ala). This variant is not present in population databases (gnomAD no frequency). This missense change has been observed in individual(s) with clinical features of TGFBR1-related conditions (Invitae). In at least one individual the variant was observed to be de novo. Advanced modeling of protein sequence and biophysical properties (such as structural, functional, and spatial information, amino acid conservation, physicochemical variation, residue mobility, and thermodynamic stability) performed at Invitae indicates that this missense variant is expected to disrupt TGFBR1 protein function. For these reasons, this variant has been classified as Pathogenic.